The following is an entry in ClinVar:

NM_001244008.2(KIF1A):c.5105G>A (p.Arg1702His)

Gene: KIF1A (kinesin family member 1A; minus strand). Cytogenetic location: 2q37.3.
Variant type: single nucleotide variant.
Coding change: c.5105G>A on transcript NM_001244008.2 (MANE Select); coding-DNA position 5105, G replaced by A.
Protein change: p.Arg1702His; replaces arginine 1702 with histidine.
Molecular consequence: missense variant.
Genome position (GRCh38, 1-based): chr2:240,719,115, C>T on the plus strand (G>A on the coding strand, the complement: KIF1A is on the minus strand). VCF-style: chr2-240719115-C-T. GRCh37 (hg19) VCF-style: chr2-241658532-C-T.
Other names: c.4829G>A, p.Arg1610His (NM_001320705.2, NM_001379649.1); c.4856G>A, p.Arg1619His (NM_001330289.2); c.4904G>A, p.Arg1635His (NM_001330290.2, NM_001379648.1); c.5180G>A, p.Arg1727His (NM_001379631.1); c.5081G>A, p.Arg1694His (NM_001379632.1); c.5078G>A, p.Arg1693His (NM_001379633.1, NM_001379645.1); c.4931G>A, p.Arg1644His (NM_001379634.1); c.4928G>A, p.Arg1643His (NM_001379635.1, NM_001379646.1); and 7 more; short protein forms R1727H, R1600H, R1693H, R1694H, R1601H, R1609H, R1626H, R1635H.
Identifiers: ClinVar variation 930462 (VCV000930462.4), dbSNP rs369839651, ClinGen allele CA2207174.

ClinVar aggregate classification (germline): Uncertain significance. Review status: criteria provided, multiple submitters, no conflicts (2 of 4 stars). 2 submissions from 2 submitters: Uncertain significance (2). Last evaluated 2022-02-24.

Conditions:
Neuropathy, hereditary sensory, type 2C. Also called: KIF1A-Related HSAN2 (HSAN2C); Hereditary sensory and autonomic neuropathy type IIC. Identifiers: Orphanet 970, MedGen C3280168, MONDO:0013634, OMIM 614213.
Intellectual disability, autosomal dominant 9 (NESCAVS). Also called: NESCAV SYNDROME; KIF1A-Related Neurodevelopmental Disorder. Identifiers: Orphanet 662367, MedGen C5393830, MONDO:0013656, OMIM 614255.
Neuropathy, hereditary sensory and autonomic, type 2A (HSAN2A). Also called: HSAN IIA; MORVAN DISEASE; NEUROPATHY, CONGENITAL SENSORY; NEUROPATHY, HEREDITARY SENSORY RADICULAR, AUTOSOMAL RECESSIVE; NEUROPATHY, HEREDITARY SENSORY, TYPE IIA; NEUROPATHY, PROGRESSIVE SENSORY, OF CHILDREN. Identifiers: Orphanet 970, MedGen C2752089, MONDO:0024309, OMIM 201300.
Hereditary spastic paraplegia 30. Identifiers: Orphanet 101010, MedGen C5235139, MONDO:0012476.

Allele frequency attached by ClinVar (database versions not stated): gnomAD exomes 0.00001; TOPMed 0.00001; ExAC 0.00002; gnomAD 0.00003 and 0.00004; ESP Exome Variant Server 0.00008.
gnomAD v4.1: 22 of 1,612,370 alleles (0.0014%); highest among the groups gnomAD compares: South Asian, 0.0044%; no homozygotes.

Submissions (2):

Fulgent Genetics
Classification: Uncertain significance for Neuropathy, hereditary sensory and autonomic, type 2A; Spastic paraplegia 30A, autosomal dominant; Neuropathy, hereditary sensory, type 2C; Intellectual disability, autosomal dominant 9. Last evaluated: 2022-02-24. Review status: criteria provided, single submitter. Criteria: ACMG Guidelines, 2015. Collection method: clinical testing. Allele origin: unknown.

Centre for Mendelian Genomics, University Medical Centre Ljubljana
Classification: Uncertain significance for Neuropathy, hereditary sensory and autonomic, type 2A. Last evaluated: 2019-04-25. Review status: criteria provided, single submitter. Criteria: ACMG Guidelines, 2015. Collection method: clinical testing. Allele origin: unknown. Affected: yes.
Comment: This variant was classified as: Uncertain significance. The available evidence on this variant's pathogenicity is insufficient or conflicting. The following ACMG criteria were applied in classifying this variant: PP3.